The following is an entry in ClinVar:

NM_000321.3(RB1):c.446C>G (p.Ser149Ter)

Gene: RB1 (RB transcriptional corepressor 1; plus strand). Cytogenetic location: 13q14.2.
Variant type: single nucleotide variant.
Coding change: c.446C>G on transcript NM_000321.3 (MANE Select); coding-DNA position 446, C replaced by G.
Protein change: p.Ser149Ter; replaces serine 149 with a stop codon.
Molecular consequence: nonsense.
Genome position (GRCh38, 1-based): chr13:48,345,145, C>G. VCF-style: chr13-48345145-C-G. GRCh37 (hg19) VCF-style: chr13-48919281-C-G.
Other names: L11910:g.41991C>G; short protein forms S149*.
Identifiers: ClinVar variation 126812 (VCV000126812.4), dbSNP rs587778870, ClinGen allele CA026458.

ClinVar aggregate classification (germline): Pathogenic. Review status: criteria provided, multiple submitters, no conflicts (2 of 4 stars). 2 submissions from 2 submitters: Pathogenic (2). Last evaluated 2024-05-20.

Conditions:
Hereditary cancer-predisposing syndrome. Also called: Hereditary Cancer Syndrome; Hereditary neoplastic syndrome; Tumor predisposition; Neoplastic Syndromes, Hereditary. Identifiers: Orphanet 140162, MedGen C0027672, MeSH D009386, MONDO:0015356.
Retinoblastoma (RB1). Also called: RETINOBLASTOMA, SOMATIC. Identifiers: Orphanet 790, MedGen C0035335, MeSH D012175, MONDO:0008380, OMIM 180200, HP:0009919. Disease mechanism: loss of function. Inheritance: Both sporadic and heritable forms are tested..

Submissions (2):

Genetic Diagnostic Laboratory, University of Pennsylvania School of Medicine
Classification: Pathogenic for Retinoblastoma. Last evaluated: 2024-05-20. Review status: criteria provided, single submitter. Criteria: ACMG Guidelines, 2015. Collection method: clinical testing. Allele origin: germline. Affected: yes. Observed: 2 variant alleles.
Comment: Case and Pedigree Information: BILATERAL CASES:2, UNILATERAL CASES:0, TOTAL CASES:2, PEDIGREES:2. ACMG Codes Applied:PVS1, PM2

Ambry Genetics
Classification: Pathogenic for Hereditary cancer-predisposing syndrome. Last evaluated: 2017-03-27. Review status: criteria provided, single submitter. Criteria: Ambry Variant Classification Scheme 2023. Collection method: clinical testing. Allele origin: germline.
Comment: The p.S149* pathogenic mutation (also known as c.446C>G), located in coding exon 4 of the RB1 gene, results from a C to G substitution at nucleotide position 446. This changes the amino acid from a serine to a stop codon within coding exon 4. This alteration is expected to result in loss of function by premature protein truncation or nonsense-mediated mRNA decay. As such, this alteration is interpreted as a disease-causing mutation.